The following is an entry in ClinVar:

ClinVar aggregate classification (germline): Likely pathogenic (1 of 4 stars; one submission).

Submission:

CeGaT Center for Human Genetics Tuebingen
Classification: Likely pathogenic. Last evaluated: 2023-09-01. Review status: criteria provided, single submitter. Criteria: CeGaT Center For Human Genetics Tuebingen Variant Classification Criteria Version 2. Collection method: clinical testing. Allele origin: germline. Affected: yes. Observed: 1 variant allele.
Comment: NFIA: PS2, PM2

NM_001134673.4(NFIA):c.440G>A (p.Gly147Asp)

Gene: NFIA (nuclear factor I A; plus strand). Cytogenetic location: 1p31.3.
Variant type: single nucleotide variant.
Coding change: c.440G>A on transcript NM_001134673.4 (MANE Select); coding-DNA position 440, G replaced by A.
Protein change: p.Gly147Asp; replaces glycine 147 with aspartic acid.
Molecular consequence: missense variant.
Genome position (GRCh38, 1-based): chr1:61,088,561, G>A. VCF-style: chr1-61088561-G-A. GRCh37 (hg19) VCF-style: chr1-61554233-G-A.
Other names: c.416G>A, p.Gly139Asp (NM_001145511.2); c.575G>A, p.Gly192Asp (NM_001145512.2); c.440G>A, p.Gly147Asp (NM_005595.5); short protein forms G139D, G147D, G192D.
Identifiers: ClinVar variation 2582857 (VCV002582857.25), dbSNP rs2524201051, ClinGen allele CA340587057.